The following is an entry in ClinVar:

ClinVar aggregate classification (germline): Uncertain significance (1 of 4 stars; one submission).

Conditions:
Cardiovascular phenotype. Identifiers: MedGen CN230736.

Submission:

Ambry Genetics
Classification: Uncertain significance for Cardiovascular phenotype. Last evaluated: 2023-05-22. Review status: criteria provided, single submitter. Criteria: Ambry Variant Classification Scheme 2023. Collection method: clinical testing. Allele origin: germline.
Comment: The p.L401P variant (also known as c.1202T>C), located in coding exon 9 of the NEXN gene, results from a T to C substitution at nucleotide position 1202. The leucine at codon 401 is replaced by proline, an amino acid with similar properties. This amino acid position is conserved. In addition, the in silico prediction for this alteration is inconclusive. Since supporting evidence is limited at this time, the clinical significance of this alteration remains unclear.

NM_144573.4(NEXN):c.1202T>C (p.Leu401Pro)

Gene: NEXN (nexilin F-actin binding protein; plus strand). Cytogenetic location: 1p31.1.
Variant type: single nucleotide variant.
Coding change: c.1202T>C on transcript NM_144573.4 (MANE Select); coding-DNA position 1202, T replaced by C.
Protein change: p.Leu401Pro; replaces leucine 401 with proline.
Molecular consequence: missense variant.
Genome position (GRCh38, 1-based): chr1:77,933,430, T>C. VCF-style: chr1-77933430-T-C. GRCh37 (hg19) VCF-style: chr1-78399115-T-C.
Other names: c.1010T>C, p.Leu337Pro (NM_001172309.2); short protein forms L337P, L401P.
Identifiers: ClinVar variation 2564019 (VCV002564019.2), dbSNP rs2523248454, ClinGen allele CA340877097.